The following is an entry in ClinVar:

NM_000363.5(TNNI3):c.599G>T (p.Gly200Val)

Gene: TNNI3 (troponin I3, cardiac type; minus strand). Cytogenetic location: 19q13.42.
Variant type: single nucleotide variant.
Coding change: c.599G>T on transcript NM_000363.5 (MANE Select); coding-DNA position 599, G replaced by T.
Protein change: p.Gly200Val; replaces glycine 200 with valine.
Molecular consequence: missense variant.
Genome position (GRCh38, 1-based): chr19:55,151,868, C>A on the plus strand (G>T on the coding strand, the complement: TNNI3 is on the minus strand). VCF-style: chr19-55151868-C-A. GRCh37 (hg19) VCF-style: chr19-55663236-C-A.
Other names: c.599G>T (LRG_432t1); short protein forms G200V.
Identifiers: ClinVar variation 410990 (VCV000410990.6), dbSNP rs878853957, ClinGen allele CA16616444.

ClinVar aggregate classification (germline): Uncertain significance (1 of 4 stars; one submission).

Conditions:
Hypertrophic cardiomyopathy. Also called: HYPERTROPHIC MYOCARDIOPATHY. Identifiers: Orphanet 217569, MedGen C0007194, MeSH D002312, MONDO:0005045, HP:0001639.

Submission:

Labcorp Genetics (formerly Invitae), Labcorp
Classification: Uncertain significance for Hypertrophic cardiomyopathy. Last evaluated: 2022-07-26. Review status: criteria provided, single submitter. Criteria: Invitae Variant Classification Sherloc (09022015). Collection method: clinical testing. Allele origin: germline.
Comment: This missense change has been observed in individual(s) with hypertrophic cardiomyopathy (Invitae). This variant is not present in population databases (gnomAD no frequency). This sequence change replaces glycine, which is neutral and non-polar, with valine, which is neutral and non-polar, at codon 200 of the TNNI3 protein (p.Gly200Val). ClinVar contains an entry for this variant (Variation ID: 410990). In summary, the available evidence is currently insufficient to determine the role of this variant in disease. Therefore, it has been classified as a Variant of Uncertain Significance. Algorithms developed to predict the effect of missense changes on protein structure and function are either unavailable or do not agree on the potential impact of this missense change (SIFT: "Deleterious"; PolyPhen-2: "Probably Damaging"; Align-GVGD: "Class C0").